The following is an entry in ClinVar:

ClinVar aggregate classification (germline): Likely benign. Review status: reviewed by expert panel (3 of 4 stars). 8 submissions from 8 submitters: Likely benign (1). 7 of the submissions do not count toward it. Last evaluated 2017-06-29.

Conditions:
Hereditary cancer-predisposing syndrome. Also called: Neoplastic Syndromes, Hereditary; Hereditary Cancer Syndrome; Tumor predisposition; Hereditary neoplastic syndrome. Identifiers: Orphanet 140162, MedGen C0027672, MeSH D009386, MONDO:0015356.
Hereditary breast ovarian cancer syndrome. Also called: BRCA1- and BRCA2-Associated Hereditary Breast and Ovarian Cancer; Hereditary breast and ovarian cancer syndrome (HBOC); Hereditary breast and ovarian cancer syndrome; Hereditary breast and ovarian cancer; Hereditary breast and/or ovarian cancer syndrome; Breast and ovarian cancer. Identifiers: Orphanet 145, MedGen C0677776, MeSH D061325, MONDO:0003582. Disease mechanism: loss of function.
Breast-ovarian cancer, familial, susceptibility to, 2 (BROVCA2). Also called: BRCA2 Hereditary Breast and Ovarian Cancer. Identifiers: Orphanet 145, MedGen C2675520, MONDO:0012933, OMIM 612555. Disease mechanism: loss of function.

Allele frequency attached by ClinVar (database versions not stated): gnomAD exomes below 0.00001; gnomAD 0.00001.
gnomAD v4.1: 5 of 1,613,964 alleles (0.00031%); highest among the groups gnomAD compares: Non-Finnish European, 0.00034%; no homozygotes.

Submissions (8):

Evidence-based Network for the Interpretation of Germline Mutant Alleles (ENIGMA)
Classification: Likely benign for Breast-ovarian cancer, familial, susceptibility to, 2. Last evaluated: 2017-06-29. Review status: reviewed by expert panel. Criteria: ENIGMA BRCA1/2 Classification Criteria (2017-06-29). Collection method: curation. Allele origin: germline.
Comment: Synonymous substitution variant, with low bioinformatic likelihood to result in a splicing aberration (Splicing prior probability 0.02).

Labcorp Genetics (formerly Invitae), Labcorp
Classification: Likely benign for Hereditary breast ovarian cancer syndrome. Last evaluated: 2025-05-04. Review status: criteria provided, single submitter. Criteria: Invitae Variant Classification Sherloc (09022015). Collection method: clinical testing. Allele origin: germline. Not counted in ClinVar's aggregate classification.

CeGaT Center for Human Genetics Tuebingen
Classification: Likely benign. Last evaluated: 2022-03-01. Review status: criteria provided, single submitter. Criteria: CeGaT Center For Human Genetics Tuebingen Variant Classification Criteria Version 2. Collection method: clinical testing. Allele origin: germline. Affected: yes. Observed: 1 variant allele. Not counted in ClinVar's aggregate classification.
Comment: BRCA2: BP4, BP7

Sema4
Classification: Likely benign for Hereditary cancer-predisposing syndrome. Last evaluated: 2020-11-06. Review status: criteria provided, single submitter. Criteria: Sema4 Curation Guidelines. Collection method: curation. Allele origin: germline. Not counted in ClinVar's aggregate classification.

Women's Health and Genetics/Laboratory Corporation of America, LabCorp
Classification: Likely benign. Last evaluated: 2019-08-21. Review status: criteria provided, single submitter. Criteria: LabCorp Variant Classification Summary - May 2015. Collection method: clinical testing. Allele origin: germline. Not counted in ClinVar's aggregate classification.

Color Diagnostics, LLC DBA Color Health
Classification: Likely benign for Hereditary cancer-predisposing syndrome. Last evaluated: 2018-02-12. Review status: criteria provided, single submitter. Criteria: ACMG Guidelines, 2015. Collection method: clinical testing. Allele origin: germline. Not counted in ClinVar's aggregate classification.

Ambry Genetics
Classification: Likely benign for Hereditary cancer-predisposing syndrome. Last evaluated: 2015-03-04. Review status: criteria provided, single submitter. Criteria: Ambry Variant Classification Scheme 2023. Collection method: clinical testing. Allele origin: germline. Not counted in ClinVar's aggregate classification.

BRCAlab, Lund University
Classification: Likely benign for Breast-ovarian cancer, familial, susceptibility to, 2. Last evaluated: 2020-03-02. Review status: no assertion criteria provided. Collection method: clinical testing. Allele origin: germline. Affected: yes. Not counted in ClinVar's aggregate classification.

NM_000059.4(BRCA2):c.9321A>C (p.Ile3107=)

Gene: BRCA2 (BRCA2 DNA repair associated; plus strand). Cytogenetic location: 13q13.1.
Variant type: single nucleotide variant.
Coding change: c.9321A>C on transcript NM_000059.4 (MANE Select); coding-DNA position 9321, A replaced by C.
Protein change: p.Ile3107=; no amino-acid change (isoleucine 3107 retained).
Molecular consequence: synonymous variant.
Genome position (GRCh38, 1-based): chr13:32,394,753, A>C. VCF-style: chr13-32394753-A-C. GRCh37 (hg19) VCF-style: chr13-32968890-A-C.
Identifiers: ClinVar variation 230678 (VCV000230678.48), dbSNP rs876658703, ClinGen allele CA10579824.